The following is an entry in ClinVar:

ClinVar aggregate classification (germline): Uncertain significance (1 of 4 stars; one submission).

Submission:

Labcorp Genetics (formerly Invitae), Labcorp
Classification: Uncertain significance. Last evaluated: 2022-07-01. Review status: criteria provided, single submitter. Criteria: Invitae Variant Classification Sherloc (09022015). Collection method: clinical testing. Allele origin: germline.
Comment: In summary, the available evidence is currently insufficient to determine the role of this variant in disease. Therefore, it has been classified as a Variant of Uncertain Significance. Algorithms developed to predict the effect of missense changes on protein structure and function are either unavailable or do not agree on the potential impact of this missense change (SIFT: "Deleterious"; PolyPhen-2: "Benign"; Align-GVGD: "Class C0"). This variant has not been reported in the literature in individuals affected with AMER1-related conditions. This variant is not present in population databases (gnomAD no frequency). This sequence change replaces cysteine, which is neutral and slightly polar, with phenylalanine, which is neutral and non-polar, at codon 717 of the AMER1 protein (p.Cys717Phe).

NM_152424.4(AMER1):c.2150G>T (p.Cys717Phe)

Gene: AMER1 (APC membrane recruitment protein 1; minus strand). Cytogenetic location: Xq11.2.
Variant type: single nucleotide variant.
Coding change: c.2150G>T on transcript NM_152424.4 (MANE Select); coding-DNA position 2150, G replaced by T.
Protein change: p.Cys717Phe; replaces cysteine 717 with phenylalanine.
Molecular consequence: missense variant.
Genome position (GRCh38, 1-based): chrX:64,191,137, C>A on the plus strand (G>T on the coding strand, the complement: AMER1 is on the minus strand). VCF-style: chrX-64191137-C-A. GRCh37 (hg19) VCF-style: chrX-63411017-C-A.
Other names: short protein forms C717F.
Identifiers: ClinVar variation 1995200 (VCV001995200.4), dbSNP rs751217981, ClinGen allele CA413305301.